The following is an entry in ClinVar:

NM_018023.5(YEATS2):c.3310G>T (p.Ala1104Ser)

Gene: YEATS2 (YEATS domain containing 2; plus strand). Cytogenetic location: 3q27.1.
Variant type: single nucleotide variant.
Coding change: c.3310G>T on transcript NM_018023.5 (MANE Select); coding-DNA position 3310, G replaced by T.
Protein change: p.Ala1104Ser; replaces alanine 1104 with serine.
Molecular consequence: missense variant.
Genome position (GRCh38, 1-based): chr3:183,798,974, G>T. VCF-style: chr3-183798974-G-T. GRCh37 (hg19) VCF-style: chr3-183516762-G-T.
Other names: c.3310G>T (NM_018023.4); c.3310G>T, p.Ala1104Ser (NM_001351369.2); c.3313G>T, p.Ala1105Ser (NM_001351370.2); short protein forms A1104S, A1105S.
Identifiers: ClinVar variation 2654300 (VCV002654300.25), dbSNP rs189373768, ClinGen allele CA2722846.

ClinVar aggregate classification (germline): Conflicting classifications of pathogenicity. Review status: criteria provided, conflicting classifications (1 of 4 stars). 2 submissions from 2 submitters: Uncertain significance (1); Likely benign (1). Last evaluated 2024-12-16.

Allele frequency attached by ClinVar (database versions not stated): TOPMed 0.00002.
gnomAD v4.1: 73 of 1,613,858 alleles (0.0045%); highest among the groups gnomAD compares: Middle Eastern, 0.36%; no homozygotes.

Submissions (2):

Ambry Genetics
Classification: Uncertain significance. Last evaluated: 2024-12-16. Review status: criteria provided, single submitter. Criteria: Ambry Variant Classification Scheme 2023. Collection method: clinical testing. Allele origin: germline.

CeGaT Center for Human Genetics Tuebingen
Classification: Likely benign. Last evaluated: 2022-05-01. Review status: criteria provided, single submitter. Criteria: CeGaT Center For Human Genetics Tuebingen Variant Classification Criteria Version 2. Collection method: clinical testing. Allele origin: germline. Affected: yes. Observed: 1 variant allele.
Comment: YEATS2: BP4